The following is an entry in ClinVar:

NM_014874.4(MFN2):c.1141A>T (p.Met381Leu)

Gene: MFN2 (mitofusin 2; plus strand). Cytogenetic location: 1p36.22.
Variant type: single nucleotide variant.
Coding change: c.1141A>T on transcript NM_014874.4 (MANE Select); coding-DNA position 1141, A replaced by T.
Protein change: p.Met381Leu; replaces methionine 381 with leucine.
Molecular consequence: missense variant.
Genome position (GRCh38, 1-based): chr1:12,002,084, A>T. VCF-style: chr1-12002084-A-T. GRCh37 (hg19) VCF-style: chr1-12062141-A-T.
Other names: c.1141A>T, p.Met381Leu (NM_001127660.2); short protein forms M381L.
Identifiers: ClinVar variation 956658 (VCV000956658.9), dbSNP rs762210837, ClinGen allele CA338443269.

ClinVar aggregate classification (germline): Uncertain significance (1 of 4 stars; one submission).

Conditions:
Charcot-Marie-Tooth disease type 2. Also called: Charcot-Marie-Tooth type 2. Identifiers: Orphanet 64746, MedGen C0270914, MONDO:0018993.

gnomAD v4.1: 2 of 1,614,242 alleles (0.00012%); highest among the groups gnomAD compares: Non-Finnish European, 0.00017%; no homozygotes.

Submission:

Labcorp Genetics (formerly Invitae), Labcorp
Classification: Uncertain significance for Charcot-Marie-Tooth disease type 2. Last evaluated: 2019-09-07. Review status: criteria provided, single submitter. Criteria: Invitae Variant Classification Sherloc (09022015). Collection method: clinical testing. Allele origin: germline.
Comment: In summary, the available evidence is currently insufficient to determine the role of this variant in disease. Therefore, it has been classified as a Variant of Uncertain Significance. Algorithms developed to predict the effect of missense changes on protein structure and function (SIFT, PolyPhen-2, Align-GVGD) all suggest that this variant is likely to be tolerated, but these predictions have not been confirmed by published functional studies and their clinical significance is uncertain. This variant has not been reported in the literature in individuals with MFN2-related conditions. This variant is not present in population databases (ExAC no frequency). This sequence change replaces methionine with leucine at codon 381 of the MFN2 protein (p.Met381Leu). The methionine residue is weakly conserved and there is a small physicochemical difference between methionine and leucine.